The following is an entry in ClinVar:

NM_000548.5(TSC2):c.343C>T (p.Arg115Cys)

Gene: TSC2 (TSC complex subunit 2; plus strand). Cytogenetic location: 16p13.3.
Variant type: single nucleotide variant.
Coding change: c.343C>T on transcript NM_000548.5 (MANE Select); coding-DNA position 343, C replaced by T.
Protein change: p.Arg115Cys; replaces arginine 115 with cysteine.
Molecular consequence: missense variant. On other transcripts: intron variant (1).
Genome position (GRCh38, 1-based): chr16:2,054,302, C>T. VCF-style: chr16-2054302-C-T. GRCh37 (hg19) VCF-style: chr16-2104303-C-T.
Other names: c.343C>T, p.Arg115Cys (NM_001077183.3, NM_001114382.3, NM_001363528.2 and 3 more transcripts); c.232C>T, p.Arg78Cys (NM_001318827.2); c.196C>T, p.Arg66Cys (NM_001318829.2); c.376C>T, p.Arg126Cys (NM_001318832.2); c.-1-1894C>T (NM_001318831.2); short protein forms R115C, R126C, R78C, R66C.
Identifiers: ClinVar variation 647485 (VCV000647485.13), dbSNP rs1256047792, ClinGen allele CA394306415.

ClinVar aggregate classification (germline): Conflicting classifications of pathogenicity. Review status: criteria provided, conflicting classifications (1 of 4 stars). 3 submissions from 3 submitters: Uncertain significance (2); Benign (1). Last evaluated 2025-09-28.

Conditions:
Tuberous sclerosis 2 (TSC2). Identifiers: Orphanet 805, MedGen C1860707, MONDO:0013199, OMIM 613254.
Hereditary cancer-predisposing syndrome. Also called: Hereditary Cancer Syndrome; Tumor predisposition; Neoplastic Syndromes, Hereditary; Hereditary neoplastic syndrome. Identifiers: Orphanet 140162, MedGen C0027672, MeSH D009386, MONDO:0015356.

Allele frequency attached by ClinVar (database versions not stated): gnomAD exomes below 0.00001.
gnomAD v4.1: 4 of 1,614,094 alleles (0.00025%); highest among the groups gnomAD compares: Admixed American, 0.0017%; no homozygotes.

Submissions (3):

Labcorp Genetics (formerly Invitae), Labcorp
Classification: Benign for Tuberous sclerosis 2. Last evaluated: 2025-09-28. Review status: criteria provided, single submitter. Criteria: Invitae Variant Classification Sherloc (09022015). Collection method: clinical testing. Allele origin: germline.

GeneDx
Classification: Uncertain significance. Last evaluated: 2024-02-11. Review status: criteria provided, single submitter. Criteria: GeneDx Variant Classification Process June 2021. Collection method: clinical testing. Allele origin: germline. Affected: yes.
Comment: In silico analysis supports that this missense variant has a deleterious effect on protein structure/function; Has not been previously published as pathogenic or benign to our knowledge; This variant is associated with the following publications: (PMID: 18466115)

Ambry Genetics
Classification: Uncertain significance for Hereditary cancer-predisposing syndrome. Last evaluated: 2023-06-10. Review status: criteria provided, single submitter. Criteria: Ambry Variant Classification Scheme 2023. Collection method: clinical testing. Allele origin: germline.
Comment: The p.R115C variant (also known as c.343C>T), located in coding exon 4 of the TSC2 gene, results from a C to T substitution at nucleotide position 343. The arginine at codon 115 is replaced by cysteine, an amino acid with highly dissimilar properties. This amino acid position is conserved. In addition, this alteration is predicted to be deleterious by in silico analysis. Since supporting evidence is limited at this time, the clinical significance of this alteration remains unclear.